The following is an entry in ClinVar:

NM_001385012.1(NBEA):c.205A>C (p.Asn69His)

Gene: NBEA (neurobeachin; plus strand). Cytogenetic location: 13q13.3.
Variant type: single nucleotide variant.
Coding change: c.205A>C on transcript NM_001385012.1 (MANE Select); coding-DNA position 205, A replaced by C.
Protein change: p.Asn69His; replaces asparagine 69 with histidine.
Molecular consequence: missense variant.
Genome position (GRCh38, 1-based): chr13:34,943,025, A>C. VCF-style: chr13-34943025-A-C. GRCh37 (hg19) VCF-style: chr13-35517162-A-C.
Other names: c.205A>C, p.Asn69His (NM_001379245.1, NM_015678.5); short protein forms N69H.
Identifiers: ClinVar variation 4755768 (VCV004755768.3).

ClinVar aggregate classification (germline): Uncertain significance. Review status: criteria provided, multiple submitters, no conflicts (2 of 4 stars). 2 submissions from 2 submitters: Uncertain significance (2). Last evaluated 2025-10-21.

Submissions (2):

Dasa
Classification: Uncertain significance. Last evaluated: 2025-10-21. Review status: criteria provided, single submitter. Criteria: DASA Assertion Criteria. Collection method: clinical testing. Allele origin: germline.
Comment: NM_001385012.1(NBEA):c.205A>C (p.Asn69His) is a missense variant that results in the substitution of asparagine with histidine. This variant is absent from population databases. The currently available literature and clinical evidence are not sufficient to establish a definitive association between this variant and the reported condition. Therefore, this variant is classified as a variant of uncertain significance.

GeneDx
Classification: Uncertain significance. Last evaluated: 2025-08-06. Review status: criteria provided, single submitter. Criteria: GeneDx Variant Classification Process June 2021. Collection method: clinical testing. Allele origin: germline. Affected: yes.
Comment: Not observed at significant frequency in large population cohorts (gnomAD); In silico analysis suggests that this missense variant does not alter protein structure/function; Has not been previously published as pathogenic or benign to our knowledge